The following is an entry in ClinVar:

ClinVar aggregate classification (germline): Uncertain significance (1 of 4 stars; one submission).

Conditions:
Cardiovascular phenotype. Identifiers: MedGen CN230736.

Submission:

Ambry Genetics
Classification: Uncertain significance for Cardiovascular phenotype. Last evaluated: 2025-05-24. Review status: criteria provided, single submitter. Criteria: Ambry Variant Classification Scheme 2023. Collection method: clinical testing. Allele origin: germline.
Comment: The p.E62K variant (also known as c.184G>A), located in coding exon 3 of the CACNA2D1 gene, results from a G to A substitution at nucleotide position 184. The glutamic acid at codon 62 is replaced by lysine, an amino acid with similar properties. This amino acid position is conserved. In addition, this alteration is predicted to be tolerated by in silico analysis. Based on the available evidence, the clinical significance of this variant remains unclear.

NM_000722.4(CACNA2D1):c.184G>A (p.Glu62Lys)

Gene: CACNA2D1 (calcium voltage-gated channel auxiliary subunit alpha2delta 1; minus strand). Cytogenetic location: 7q21.11.
Variant type: single nucleotide variant.
Coding change: c.184G>A on transcript NM_000722.4 (MANE Select); coding-DNA position 184, G replaced by A.
Protein change: p.Glu62Lys; replaces glutamic acid 62 with lysine.
Molecular consequence: missense variant.
Genome position (GRCh38, 1-based): chr7:82,335,245, C>T on the plus strand (G>A on the coding strand, the complement: CACNA2D1 is on the minus strand). VCF-style: chr7-82335245-C-T. GRCh37 (hg19) VCF-style: chr7-81964561-C-T.
Other names: c.184G>A, p.Glu62Lys (NM_001302890.2, NM_001366867.1); short protein forms E62K.
Identifiers: ClinVar variation 3994531 (VCV003994531.1).